The following is an entry in ClinVar:

ClinVar aggregate classification (germline): Uncertain significance. Review status: criteria provided, multiple submitters, no conflicts (2 of 4 stars). 5 submissions from 5 submitters: Uncertain significance (5). Last evaluated 2024-11-21.

Conditions:
Hereditary cancer-predisposing syndrome. Also called: Neoplastic Syndromes, Hereditary; Tumor predisposition; Hereditary Cancer Syndrome; Hereditary neoplastic syndrome. Identifiers: Orphanet 140162, MedGen C0027672, MeSH D009386, MONDO:0015356.
Familial cancer of breast. Also called: hereditary breast carcinoma; BREAST CANCER, FAMILIAL; Hereditary breast cancer. Identifiers: Orphanet 227535, MedGen C0346153, MONDO:0016419, OMIM 114480. Disease mechanism: loss of function.
Ataxia-telangiectasia syndrome (AT). Also called: ATAXIA-TELANGIECTASIA, COMPLEMENTATION GROUP A; ATAXIA-TELANGIECTASIA, FRESNO VARIANT; Ataxia-telangiectasia; Ataxia-telangiectasia, complementation group D; AT, COMPLEMENTATION GROUP C; Ataxia-telangiectasia, complementation group E. Identifiers: Orphanet 100, MedGen C0004135, MONDO:0008840, OMIM 208900.

Allele frequency attached by ClinVar (database versions not stated): TOPMed below 0.00001; gnomAD 0.00001.
gnomAD v4.1: 1 of 1,613,174 alleles (0.000062%); highest among the groups gnomAD compares: Non-Finnish European, 0.000085%; no homozygotes.

Submissions (5):

Labcorp Genetics (formerly Invitae), Labcorp
Classification: Uncertain significance for Ataxia-telangiectasia syndrome. Last evaluated: 2024-11-21. Review status: criteria provided, single submitter. Criteria: Invitae Variant Classification Sherloc (09022015). Collection method: clinical testing. Allele origin: germline.
Comment: This sequence change replaces glutamic acid, which is acidic and polar, with glutamine, which is neutral and polar, at codon 590 of the ATM protein (p.Glu590Gln). This variant is not present in population databases (gnomAD no frequency). This variant has not been reported in the literature in individuals affected with ATM-related conditions. ClinVar contains an entry for this variant (Variation ID: 524402). Invitae Evidence Modeling of protein sequence and biophysical properties (such as structural, functional, and spatial information, amino acid conservation, physicochemical variation, residue mobility, and thermodynamic stability) indicates that this missense variant is not expected to disrupt ATM protein function with a negative predictive value of 95%. In summary, the available evidence is currently insufficient to determine the role of this variant in disease. Therefore, it has been classified as a Variant of Uncertain Significance.

Women's Health and Genetics/Laboratory Corporation of America, LabCorp
Classification: Uncertain significance. Last evaluated: 2024-03-27. Review status: criteria provided, single submitter. Criteria: LabCorp Variant Classification Summary - May 2015. Collection method: clinical testing. Allele origin: germline.

Color Diagnostics, LLC DBA Color Health
Classification: Uncertain significance for Hereditary cancer-predisposing syndrome. Last evaluated: 2023-12-04. Review status: criteria provided, single submitter. Criteria: ACMG Guidelines, 2015. Collection method: clinical testing. Allele origin: germline.
Comment: This missense variant replaces glutamic acid with glutamine at codon 590 of the ATM protein. Computational prediction suggests that this variant may not impact protein structure and function (internally defined REVEL score threshold <= 0.5, PMID: 27666373). To our knowledge, functional studies have not been reported for this variant. This variant has not been reported in individuals affected with ATM-related disorders in the literature. This variant has not been identified in the general population by the Genome Aggregation Database (gnomAD). The available evidence is insufficient to determine the role of this variant in disease conclusively. Therefore, this variant is classified as a Variant of Uncertain Significance.

Baylor Genetics
Classification: Uncertain significance for Familial cancer of breast. Last evaluated: 2023-05-02. Review status: criteria provided, single submitter. Criteria: ACMG Guidelines, 2015. Collection method: clinical testing. Allele origin: unknown.

Ambry Genetics
Classification: Uncertain significance for Hereditary cancer-predisposing syndrome. Last evaluated: 2023-04-16. Review status: criteria provided, single submitter. Criteria: Ambry Variant Classification Scheme 2023. Collection method: clinical testing. Allele origin: germline.
Comment: The p.E590Q variant (also known as c.1768G>C), located in coding exon 10 of the ATM gene, results from a G to C substitution at nucleotide position 1768. The glutamic acid at codon 590 is replaced by glutamine, an amino acid with highly similar properties. This amino acid position is highly conserved in available vertebrate species. In addition, the in silico prediction for this alteration is inconclusive. Since supporting evidence is limited at this time, the clinical significance of this alteration remains unclear.

NM_000051.4(ATM):c.1768G>C (p.Glu590Gln)

Gene: ATM (ATM serine/threonine kinase; plus strand). Cytogenetic location: 11q22.3.
Variant type: single nucleotide variant.
Coding change: c.1768G>C on transcript NM_000051.4 (MANE Select); coding-DNA position 1768, G replaced by C.
Protein change: p.Glu590Gln; replaces glutamic acid 590 with glutamine.
Molecular consequence: missense variant.
Genome position (GRCh38, 1-based): chr11:108,251,997, G>C. VCF-style: chr11-108251997-G-C. GRCh37 (hg19) VCF-style: chr11-108122724-G-C.
Other names: c.1768G>C, p.Glu590Gln (NM_001351834.2); short protein forms E590Q.
Identifiers: ClinVar variation 524402 (VCV000524402.17), dbSNP rs876659283, ClinGen allele CA382535446.
Genomic context (GRCh38, chr11:108,251,997, plus strand): 5'-TTTTCTTTAAAGGAATCAATAATGAAATGGCTCTTATTCTATCAGTTAGAGGGTGACTTA[G>C]AAAATAGCACAGAAGTGCCTCCAATTCTTCACAGGTAATTTAAGTTCATTAGCATGCTGC-3'
Protein context (NP_000042.3, residues 580-600): LLFYQLEGDL[Glu590Gln]NSTEVPPILH